The following is an entry in ClinVar:

NM_032188.3(KAT8):c.636C>G (p.Tyr212Ter)

Gene: KAT8 (lysine acetyltransferase 8; plus strand). Cytogenetic location: 16p11.2.
Variant type: single nucleotide variant.
Coding change: c.636C>G on transcript NM_032188.3 (MANE Select); coding-DNA position 636, C replaced by G.
Protein change: p.Tyr212Ter; replaces tyrosine 212 with a stop codon.
Molecular consequence: nonsense.
Genome position (GRCh38, 1-based): chr16:31,127,308, C>G. VCF-style: chr16-31127308-C-G. GRCh37 (hg19) VCF-style: chr16-31138629-C-G.
Other names: c.636C>G, p.Tyr212Ter (NM_182958.4); short protein forms Y212*.
Identifiers: ClinVar variation 3351541 (VCV003351541.1).

ClinVar aggregate classification (germline): Uncertain significance (0 of 4 stars; one submission).

Conditions:
KAT8-related disorder. Also called: KAT8-related condition.

gnomAD v4.1: 2 of 1,614,254 alleles (0.00012%); highest among the groups gnomAD compares: Non-Finnish European, 0.00017%; no homozygotes.

Submission:

PreventionGenetics, part of Exact Sciences
Classification: Uncertain significance for KAT8-related condition. Last evaluated: 2024-05-08. Review status: no assertion criteria provided. Collection method: clinical testing. Allele origin: germline.
Comment: The KAT8 c.636C>G variant is predicted to result in premature protein termination (p.Tyr212*). To our knowledge, this variant has not been reported in the literature or in a large population database, indicating this variant is rare. Loss of function variants such as nonsense variant in KAT8 have not been established as disease causing. At this time, the clinical significance of this variant is uncertain due to the absence of conclusive functional and genetic evidence.